The following is an entry in ClinVar:

NM_001170700.3(DTHD1):c.2096-9T>A

Gene: DTHD1 (death domain containing 1; plus strand). Cytogenetic location: 4p14.
Variant type: single nucleotide variant.
Coding change: c.2096-9T>A on transcript NM_001170700.3 (MANE Select); 9 bases into the intron before coding-DNA position 2096, T replaced by A.
Molecular consequence: intron variant.
Genome position (GRCh38, 1-based): chr4:36,316,233, T>A. VCF-style: chr4-36316233-T-A. GRCh37 (hg19) VCF-style: chr4-36317855-T-A.
Other names: c.1226-9T>A (NM_001136536.5); c.1163-9T>A (NM_001378435.1).
Identifiers: ClinVar variation 2200148 (VCV002200148.4), dbSNP rs1214751285, ClinGen allele CA550959640.

ClinVar aggregate classification (germline): Uncertain significance (1 of 4 stars; one submission).

Allele frequency attached by ClinVar (database versions not stated): TOPMed below 0.00001; gnomAD 0.00003.
gnomAD v4.1: 5 of 1,547,622 alleles (0.00032%); highest among the groups gnomAD compares: African/African-American, 0.0069%; no homozygotes.

Submission:

Labcorp Genetics (formerly Invitae), Labcorp
Classification: Uncertain significance. Last evaluated: 2025-08-18. Review status: criteria provided, single submitter. Criteria: Invitae Variant Classification Sherloc (09022015). Collection method: clinical testing. Allele origin: germline.
Comment: This sequence change falls in intron 6 of the DTHD1 gene. It does not directly change the encoded amino acid sequence of the DTHD1 protein. This variant is present in population databases (no rsID available, gnomAD 0.01%). This variant has not been reported in the literature in individuals affected with DTHD1-related conditions. ClinVar contains an entry for this variant (Variation ID: 2200148). Algorithms developed to predict the effect of sequence changes on RNA splicing suggest that this variant may disrupt the consensus splice site. In summary, the available evidence is currently insufficient to determine the role of this variant in disease. Therefore, it has been classified as a Variant of Uncertain Significance.